The following is an entry in ClinVar:

NM_003742.4(ABCB11):c.1308+122G>A

Gene: ABCB11 (ATP binding cassette subfamily B member 11; minus strand). Cytogenetic location: 2q31.1.
Variant type: single nucleotide variant.
Coding change: c.1308+122G>A on transcript NM_003742.4 (MANE Select); 122 bases into the intron after coding-DNA position 1308, G replaced by A.
Molecular consequence: intron variant.
Genome position (GRCh38, 1-based): chr2:168,976,455, C>T on the plus strand (G>A on the coding strand, the complement: ABCB11 is on the minus strand). VCF-style: chr2-168976455-C-T. GRCh37 (hg19) VCF-style: chr2-169832965-C-T.
Identifiers: ClinVar variation 1180150 (VCV001180150.4), dbSNP rs77540371, ClinGen allele CA11305317.

ClinVar aggregate classification (germline): Benign. Review status: criteria provided, multiple submitters, no conflicts (2 of 4 stars). 3 submissions from 3 submitters: Benign (3). Last evaluated 2026-04-14.

Conditions:
Familial intrahepatic cholestasis. Identifiers: Orphanet 284385, MedGen CN296401, MONDO:0017290.

Allele frequency attached by ClinVar (database versions not stated): TOPMed 0.01033; 1000 Genomes Project 30x 0.01499; gnomAD 0.01660 and 0.01742; 1000 Genomes Project 0.01697.

Submissions (3):

Genomenon, Inc
Classification: Benign for Familial intrahepatic cholestasis. Last evaluated: 2026-04-14. Review status: criteria provided, single submitter. Criteria: Genomenon Sequence Variant Interpretation Standards - Updated. Collection method: curation. Allele origin: germline. Affected: no.
Comment: ABCB11 c.1308+122G>A is a deep intronic variant located in intron 12. This variant is present at high allele frequency in population databases. In conclusion, we classify ABCB11 c.1308+122G>A as a benign variant.

GeneDx
Classification: Benign. Last evaluated: 2018-06-23. Review status: criteria provided, single submitter. Criteria: GeneDx Variant Classification Process June 2021. Collection method: clinical testing. Allele origin: germline. Affected: yes.

Breakthrough Genomics
Classification: Benign. Review status: criteria provided, single submitter. Criteria: ACMG Guidelines, 2015. Collection method: not provided. Allele origin: germline. Inheritance: Autosomal recessive inheritance. Affected: yes.